The following is an entry in ClinVar:

NM_000057.4(BLM):c.2791_2801del (p.Gln931fs)

Gene: BLM (BLM RecQ like helicase; plus strand). Cytogenetic location: 15q26.1.
Variant type: Deletion.
Coding change: c.2791_2801del on transcript NM_000057.4 (MANE Select); coding-DNA positions 2791 to 2801, 11 bases deleted (CAGCAGAAGTG).
Protein change: p.Gln931fs; shifts the reading frame from glutamine 931.
Molecular consequence: frameshift variant.
Genome position (GRCh38, 1-based): chr15:90,785,049-90,785,059, CAGCAGAAGTG deleted; deleting any 11 consecutive bases within chr15:90,785,043-90,785,059 gives the same sequence; the c. name uses the placement nearest the transcript's 3' end. VCF-style (leftmost placement, unchanged base first): chr15-90785042-TGAAGTGCAGCA-T. GRCh37 (hg19) VCF-style: chr15-91328272-TGAAGTGCAGCA-T.
Other names: c.2791_2801del, p.Gln931fs (NM_001287246.2, NM_001287247.2); c.1666_1676del, p.Gln556fs (NM_001287248.2); short protein forms Q556fs, Q931fs.
Identifiers: ClinVar variation 2859342 (VCV002859342.3), dbSNP rs2505502113, ClinGen allele CA2739269814.

ClinVar aggregate classification (germline): Pathogenic (1 of 4 stars; one submission).

Conditions:
Bloom syndrome (BLM). Also called: Bloom-Torre-Machacek syndrome. Identifiers: Orphanet 125, MedGen C0005859, MONDO:0008876, OMIM 210900.

Submission:

Labcorp Genetics (formerly Invitae), Labcorp
Classification: Pathogenic for Bloom syndrome. Last evaluated: 2023-04-26. Review status: criteria provided, single submitter. Criteria: Invitae Variant Classification Sherloc (09022015). Collection method: clinical testing. Allele origin: germline.
Comment: For these reasons, this variant has been classified as Pathogenic. This variant has not been reported in the literature in individuals affected with BLM-related conditions. This variant is not present in population databases (gnomAD no frequency). This sequence change creates a premature translational stop signal (p.Gln931Aspfs*2) in the BLM gene. It is expected to result in an absent or disrupted protein product. Loss-of-function variants in BLM are known to be pathogenic (PMID: 17407155).

Literature cited by the submitters: PubMed 17407155.